The following is an entry in ClinVar:

ClinVar aggregate classification (germline): Uncertain significance (1 of 4 stars; one submission).

Conditions:
Focal segmental glomerulosclerosis 5 (FSGS5). Identifiers: Orphanet 656, MedGen C2750475, MONDO:0013191, OMIM 613237.
Charcot-Marie-Tooth disease dominant intermediate E. Also called: CHARCOT-MARIE-TOOTH NEUROPATHY WITH FOCAL SEGMENTAL GLOMERULONEPHRITIS. Identifiers: Orphanet 93114, MedGen C4302667, MONDO:0013758, OMIM 614455.

Submission:

Labcorp Genetics (formerly Invitae), Labcorp
Classification: Uncertain significance for Charcot-Marie-Tooth disease dominant intermediate E; Focal segmental glomerulosclerosis 5. Last evaluated: 2025-03-19. Review status: criteria provided, single submitter. Criteria: Invitae Variant Classification Sherloc (09022015). Collection method: clinical testing. Allele origin: germline.
Comment: This sequence change creates a premature translational stop signal (p.Ala1003Leufs*15) in the INF2 gene. It is expected to result in an absent or disrupted protein product. However, the current clinical and genetic evidence is not sufficient to establish whether loss-of-function variants in INF2 cause disease. This variant is not present in population databases (gnomAD no frequency). This variant has not been reported in the literature in individuals affected with INF2-related conditions. In summary, the available evidence is currently insufficient to determine the role of this variant in disease. Therefore, it has been classified as a Variant of Uncertain Significance.

NM_022489.4(INF2):c.3006_3007del (p.Ala1003fs)

Gene: INF2 (inverted formin 2; plus strand). Cytogenetic location: 14q32.33.
Variant type: Deletion.
Coding change: c.3006_3007del on transcript NM_022489.4 (MANE Select); coding-DNA positions 3006 to 3007, 2 bases deleted (AG; older notation c.3006_3007delAG).
Protein change: p.Ala1003fs; shifts the reading frame from alanine 1003.
Molecular consequence: frameshift variant. On other transcripts: non-coding transcript variant (1).
Genome position (GRCh38, 1-based): chr14:104,713,572-104,713,573, AG deleted. VCF-style (leftmost placement, unchanged base first): chr14-104713571-CAG-C. GRCh37 (hg19) VCF-style: chr14-105179908-CAG-C.
Other names: c.3006_3007del, p.Ala1003fs (NM_001031714.4, NM_001426862.1, NM_001426863.1 and 2 more transcripts); short protein forms A1003fs.
Identifiers: ClinVar variation 4784367 (VCV004784367.1).
Genomic context (GRCh38, chr14:104,713,571, plus strand): 5'-AGGGCTTCCAGCTGCGGAAGACAGCCCGGGGCCGCGGGGACACCGACGGGGGCAGCAAGG[CAG>C]CCTCCATGGATCCCCCAAGAGCCACAGAGCCTGGTAAGACCCTCTCCCACTGCCTCCTCA-3'